The following is an entry in ClinVar:

NM_000059.4(BRCA2):c.7522G>C (p.Gly2508Arg)

Gene: BRCA2 (BRCA2 DNA repair associated; plus strand). Cytogenetic location: 13q13.1.
Variant type: single nucleotide variant.
Coding change: c.7522G>C on transcript NM_000059.4 (MANE Select); coding-DNA position 7522, G replaced by C.
Protein change: p.Gly2508Arg; replaces glycine 2508 with arginine.
Molecular consequence: missense variant. On other transcripts: non-coding transcript variant (1).
Genome position (GRCh38, 1-based): chr13:32,356,514, G>C. VCF-style: chr13-32356514-G-C. GRCh37 (hg19) VCF-style: chr13-32930651-G-C.
Other names: c.7522G>C, p.Gly2508Arg (NM_001406720.1); c.2590G>C, p.Gly864Arg (NM_001406721.1); c.1105G>C, p.Gly369Arg (NM_001406722.1); c.7426G>C, p.Gly2476Arg (NM_001406719.1); short protein forms G2508R, G2476R, G369R, G864R.
Identifiers: ClinVar variation 2895953 (VCV002895953.5), dbSNP rs80358978, ClinGen allele CA387743535.

ClinVar aggregate classification (germline): Conflicting classifications of pathogenicity. Review status: criteria provided, conflicting classifications (1 of 4 stars). 3 submissions from 3 submitters: Likely pathogenic (1); Uncertain significance (2). Last evaluated 2026-02-03.

Conditions:
Hereditary breast ovarian cancer syndrome. Also called: Hereditary breast and ovarian cancer syndrome; Hereditary breast and ovarian cancer; Hereditary breast and/or ovarian cancer syndrome; BRCA1- and BRCA2-Associated Hereditary Breast and Ovarian Cancer; Breast and ovarian cancer; Hereditary breast and ovarian cancer syndrome (HBOC). Identifiers: Orphanet 145, MedGen C0677776, MeSH D061325, MONDO:0003582. Disease mechanism: loss of function.
Breast-ovarian cancer, familial, susceptibility to, 2 (BROVCA2). Also called: BRCA2 Hereditary Breast and Ovarian Cancer. Identifiers: Orphanet 145, MedGen C2675520, MONDO:0012933, OMIM 612555. Disease mechanism: loss of function.
Hereditary cancer-predisposing syndrome. Also called: Tumor predisposition; Neoplastic Syndromes, Hereditary; Hereditary Cancer Syndrome; Hereditary neoplastic syndrome. Identifiers: Orphanet 140162, MedGen C0027672, MeSH D009386, MONDO:0015356.

Submissions (3):

Ambry Genetics
Classification: Likely pathogenic for Hereditary cancer-predisposing syndrome. Last evaluated: 2026-02-03. Review status: criteria provided, single submitter. Criteria: Ambry Variant Classification Scheme 2023. Collection method: clinical testing. Allele origin: germline.
Comment: The p.G2508R variant (also known as c.7522G>C), located in coding exon 14 of the BRCA2 gene, results from a G to C substitution at nucleotide position 7522. The glycine at codon 2508 is replaced by arginine, an amino acid with dissimilar properties. Two saturation genome editing-based studies, including a haploid cell-survival assay and a humanized mouse embryonic stem cell line assay of drug response and survival, demonstrate that this nucleotide substitution is non-functional (Huang H et al. Nature. 2025 Feb;638(8050):528-537; Sahu S et al. Nature. 2025 Feb;638(8050):538-545). Based on internal structural analysis, this variant is anticipated to result in a significant decrease in structural stability (Ambry internal data). This amino acid position is highly conserved in available vertebrate species. In addition, this alteration is predicted to be deleterious by in silico analysis. This variant is considered to be rare based on population cohorts in the Genome Aggregation Database (gnomAD). Based on the majority of available evidence to date, this variant is likely to be pathogenic.

KCCC/NGS Laboratory, Kuwait Cancer Control Center
Classification: Uncertain significance for Breast-ovarian cancer, familial, susceptibility to, 2. Last evaluated: 2024-11-03. Review status: criteria provided, single submitter. Criteria: ACMG Guidelines, 2015. Collection method: clinical testing. Allele origin: germline. Inheritance: Autosomal dominant inheritance. Affected: yes. Observed: 1 heterozygote.
Comment: This sequence change replaces glycine, which is neutral and non-polar, with arginine, which is basic and polar, at codon 2508 of the BRCA2 protein (p.Gly2508Arg).This variant is not present in population databases (gnomAD no frequency). This variant has not been reported in the literature in individuals affected with BRCA2-related conditions.This position is highly conservative (PhyloP=8.6). In silico analysis supports that this missense variant alter protein structure/function . Advanced modeling published experimental studies (PMID: 33609447) indicates that this missense variant is expected to disrupt BRCA2 function. In summary, the available evidence is currently insufficient to determine the role of this variant in disease. Therefore, it has been classified as a Variant of Uncertain Significance.

Labcorp Genetics (formerly Invitae), Labcorp
Classification: Uncertain significance for Hereditary breast ovarian cancer syndrome. Last evaluated: 2023-01-31. Review status: criteria provided, single submitter. Criteria: Invitae Variant Classification Sherloc (09022015). Collection method: clinical testing. Allele origin: germline.
Comment: Experimental studies have shown that this missense change affects BRCA2 function (PMID: 29884841). In summary, the available evidence is currently insufficient to determine the role of this variant in disease. Therefore, it has been classified as a Variant of Uncertain Significance. Advanced modeling performed at Invitae incorporating data from internal and/or published experimental studies (PMID: 33609447) indicates that this missense variant is expected to disrupt BRCA2 function. This variant has not been reported in the literature in individuals affected with BRCA2-related conditions. This variant is not present in population databases (gnomAD no frequency). This sequence change replaces glycine, which is neutral and non-polar, with arginine, which is basic and polar, at codon 2508 of the BRCA2 protein (p.Gly2508Arg).

Literature cited by the submitters: PubMed 39779848 (cited by Ambry Genetics); PubMed 29884841 (cited by Labcorp Genetics (formerly Invitae), Labcorp); PubMed 33609447 (cited by Labcorp Genetics (formerly Invitae), Labcorp).